The following is an entry in ClinVar:

NM_001378615.1(CC2D2A):c.489C>G (p.Tyr163Ter)

Genes: CC2D2A (coiled-coil and C2 domain containing 2A; plus strand), FBXL5 (F-box and leucine rich repeat protein 5; minus strand). Cytogenetic location: 4p15.32.
Variant type: single nucleotide variant.
Coding change: c.489C>G on transcript NM_001378615.1 (MANE Select); coding-DNA position 489, C replaced by G.
Protein change: p.Tyr163Ter; replaces tyrosine 163 with a stop codon.
Molecular consequence: nonsense.
Genome position (GRCh38, 1-based): chr4:15,510,189, C>G. VCF-style: chr4-15510189-C-G. GRCh37 (hg19) VCF-style: chr4-15511812-C-G.
Other names: c.489C>G, p.Tyr163Ter (NM_001080522.2); c.342C>G, p.Tyr114Ter (NM_001378617.1); short protein forms Y114*, Y163*.
Identifiers: ClinVar variation 5013817 (VCV005013817.1).

ClinVar aggregate classification (germline): Pathogenic (1 of 4 stars; one submission).

Conditions:
Joubert syndrome and related disorders. Identifiers: Orphanet 140874, MedGen C5679612, MONDO:0015369.

Submission:

Myriad Genetics, Inc.
Classification: Pathogenic for Joubert syndrome and related disorders. Last evaluated: 2024-11-27. Review status: criteria provided, single submitter. Criteria: Myriad Autosomal Dominant, Autosomal Recessive and X-Linked Classification Criteria (2023). Collection method: clinical testing. Allele origin: unknown.
Comment: NM_001080522.2(CC2D2A):c.489C>G(Y163*) is expected to be pathogenic in the context of CC2D2A-related disorders. This variant is predicted to lead to an abnormal or absent protein product due to the creation of a premature termination codon in CC2D2A, a gene where loss-of-function variants are known to be pathogenic. Please note: this variant was assessed in the context of healthy population screening.